The following is an entry in ClinVar:

NM_002382.5(MAX):c.295+10C>G

Gene: MAX (MYC associated transcriptional regulator X; minus strand). Cytogenetic location: 14q23.3.
Variant type: single nucleotide variant.
Coding change: c.295+10C>G on transcript NM_002382.5 (MANE Select); 10 bases into the intron after coding-DNA position 295, C replaced by G.
Molecular consequence: intron variant.
Genome position (GRCh38, 1-based): chr14:65,077,903, G>C on the plus strand (C>G on the coding strand, the complement: MAX is on the minus strand). VCF-style: chr14-65077903-G-C. GRCh37 (hg19) VCF-style: chr14-65544621-G-C.
Other names: c.144+15805C>G (NM_001271069.2); c.171+15805C>G (NM_197957.4); c.268+10C>G (NM_145112.3); c.21+10C>G (NM_001320415.2); c.295+10C>G (NM_145113.3).
Identifiers: ClinVar variation 412777 (VCV000412777.11), dbSNP rs375446224, ClinGen allele CA16614199.

ClinVar aggregate classification (germline): Likely benign. Review status: criteria provided, multiple submitters, no conflicts (2 of 4 stars). 2 submissions from 2 submitters: Likely benign (2). Last evaluated 2026-06-08.

Conditions:
Pheochromocytoma. Also called: MAX-Related Hereditary Paraganglioma-Pheochromocytoma Syndrome. Identifiers: Orphanet 29072, MedGen C0031511, MONDO:0008233, OMIM 171300, HP:0002666.
Hereditary pheochromocytoma and paraganglioma. Also called: Hereditary pheochromocytoma-paraganglioma; Hereditary Paraganglioma-Pheochromocytoma Syndromes; Hereditary paragangliomas and pheochromocytomas. Identifiers: Orphanet 29072, MedGen C4274332, MONDO:0017366.

Allele frequency attached by ClinVar (database versions not stated): TOPMed 0.00001.

Submissions (2):

Myriad Genetics, Inc.
Classification: Likely benign for Pheochromocytoma. Last evaluated: 2026-06-08. Review status: criteria provided, single submitter. Criteria: Myriad Autosomal Dominant, Autosomal Recessive and X-Linked Classification Criteria (2023). Collection method: clinical testing. Allele origin: unknown.
Comment: This variant is considered likely benign. This variant is intronic and is not expected to impact mRNA splicing.

Labcorp Genetics (formerly Invitae), Labcorp
Classification: Likely benign for Hereditary pheochromocytoma and paraganglioma. Last evaluated: 2024-09-06. Review status: criteria provided, single submitter. Criteria: Invitae Variant Classification Sherloc (09022015). Collection method: clinical testing. Allele origin: germline.